The following is an entry in ClinVar:

NM_002691.4(POLD1):c.2983C>A (p.Leu995Ile)

Gene: POLD1 (DNA polymerase delta 1, catalytic subunit; plus strand). Cytogenetic location: 19q13.33.
Variant type: single nucleotide variant.
Coding change: c.2983C>A on transcript NM_002691.4 (MANE Select); coding-DNA position 2983, C replaced by A.
Protein change: p.Leu995Ile; replaces leucine 995 with isoleucine.
Molecular consequence: missense variant. On other transcripts: non-coding transcript variant (1).
Genome position (GRCh38, 1-based): chr19:50,416,639, C>A. VCF-style: chr19-50416639-C-A. GRCh37 (hg19) VCF-style: chr19-50919896-C-A.
Other names: c.2983C>A, p.Leu995Ile (NM_001256849.1); c.3061C>A, p.Leu1021Ile (NM_001308632.1); short protein forms L1021I, L995I.
Identifiers: ClinVar variation 3781422 (VCV003781422.1).
Genomic context (GRCh38, chr19:50,416,639, plus strand): 5'-ACCGGCCCACCACCTGCCTCCTCTCCTGCAGGGGGGGACCACACGCGCTGCAAGACGGTG[C>A]TCACGGGCAAGGTGGGCGGCCTCCTGGCCTTCGCCAAACGCCGCAACTGCTGCATTGGCT-3'
Protein context (NP_002682.2, residues 985-1005): RGDHTRCKTV[Leu995Ile]TGKVGGLLAF

ClinVar aggregate classification (germline): Uncertain significance (1 of 4 stars; one submission).

Conditions:
Hereditary cancer-predisposing syndrome. Also called: Neoplastic Syndromes, Hereditary; Hereditary Cancer Syndrome; Tumor predisposition; Hereditary neoplastic syndrome. Identifiers: Orphanet 140162, MedGen C0027672, MeSH D009386, MONDO:0015356.

Submission:

Ambry Genetics
Classification: Uncertain significance for Hereditary cancer-predisposing syndrome. Last evaluated: 2025-03-14. Review status: criteria provided, single submitter. Criteria: Ambry Variant Classification Scheme 2023. Collection method: clinical testing. Allele origin: germline.
Comment: The p.L995I variant (also known as c.2983C>A), located in coding exon 23 of the POLD1 gene, results from a C to A substitution at nucleotide position 2983. The leucine at codon 995 is replaced by isoleucine, an amino acid with highly similar properties. This amino acid position is conserved. In addition, this alteration is predicted to be tolerated by in silico analysis. Based on the available evidence, the clinical significance of this variant remains unclear.